The following is an entry in ClinVar:

NM_153689.6(C2orf69):c.439A>T (p.Ile147Phe)

Gene: C2orf69 (chromosome 2 open reading frame 69; plus strand). Cytogenetic location: 2q33.1.
Variant type: single nucleotide variant.
Coding change: c.439A>T on transcript NM_153689.6 (MANE Select); coding-DNA position 439, A replaced by T.
Protein change: p.Ile147Phe; replaces isoleucine 147 with phenylalanine.
Molecular consequence: missense variant.
Genome position (GRCh38, 1-based): chr2:199,925,167, A>T. VCF-style: chr2-199925167-A-T. GRCh37 (hg19) VCF-style: chr2-200789890-A-T.
Other names: short protein forms I147F.
Identifiers: ClinVar variation 3383370 (VCV003383370.2).

ClinVar aggregate classification (germline): Uncertain significance. Review status: criteria provided, multiple submitters, no conflicts (2 of 4 stars). 2 submissions from 2 submitters: Uncertain significance (2). Last evaluated 2025-04-07.

Conditions:
Combined oxidative phosphorylation deficiency 53 (COXPD53). Also called: GLOBAL DEVELOPMENTAL DELAY, PROGRESSIVE MICROCEPHALY, STRUCTURAL BRAIN ABNORMALITIES, AND AUTOINFLAMMATION; ELBRACHT-ISIKAY SYNDROME. Identifiers: MedGen C5543631, MONDO:0030378, OMIM 619423.

Submissions (2):

Medgenome Labs Ltd
Classification: Uncertain significance for Combined oxidative phosphorylation deficiency 53. Last evaluated: 2025-04-07. Review status: criteria provided, single submitter. Criteria: ACMG Guidelines, 2015. Collection method: clinical testing. Allele origin: biparental. Affected: yes.

Diagnostics Services (NGS), CSIR - Centre For Cellular And Molecular Biology
Classification: Uncertain significance for Combined oxidative phosphorylation deficiency 53. Last evaluated: 2024-11-06. Review status: criteria provided, single submitter. Criteria: ACMG Guidelines, 2015. Collection method: clinical testing. Allele origin: germline. Affected: yes. Observed: 1 variant allele, 1 homozygote.
Comment: The c.439A>T variant is not present in 1000 Genomes, EVS, ExAC, gnomAD, Indian Exome Database or our in-house exome database. This variant has neither been published in literature with C2orf69-related conditions nor reported to the ClinVar, HGMD or OMIM databases, in any affected individuals. In-silico pathogenicity prediction programs like SIFT, Polyphen-2, MutationTaster2, CADD etc predicted this variant to be likely deleterious, however these predictions were not confirmed by published functional studies.